The following is an entry in ClinVar:

ClinVar aggregate classification (germline): Uncertain significance. Review status: criteria provided, multiple submitters, no conflicts (2 of 4 stars). 2 submissions from 2 submitters: Uncertain significance (2). Last evaluated 2025-07-18.

Submissions (2):

Ambry Genetics
Classification: Uncertain significance. Last evaluated: 2025-07-18. Review status: criteria provided, single submitter. Criteria: Ambry Variant Classification Scheme 2023. Collection method: clinical testing. Allele origin: germline.
Comment: The p.P195S variant (also known as c.583C>T), located in coding exon 3 of the GALNT12 gene, results from a C to T substitution at nucleotide position 583. The proline at codon 195 is replaced by serine, an amino acid with similar properties. This amino acid position is conserved. In addition, this alteration is predicted to be tolerated by in silico analysis. Since supporting evidence is limited at this time, the clinical significance of this alteration remains unclear.

Labcorp Genetics (formerly Invitae), Labcorp
Classification: Uncertain significance. Last evaluated: 2021-10-14. Review status: criteria provided, single submitter. Criteria: Invitae Variant Classification Sherloc (09022015). Collection method: clinical testing. Allele origin: germline.
Comment: This variant has not been reported in the literature in individuals affected with GALNT12-related conditions. In summary, the available evidence is currently insufficient to determine the role of this variant in disease. Therefore, it has been classified as a Variant of Uncertain Significance. Algorithms developed to predict the effect of missense changes on protein structure and function (SIFT, PolyPhen-2, Align-GVGD) all suggest that this variant is likely to be tolerated. This variant is not present in population databases (ExAC no frequency). This sequence change replaces proline with serine at codon 195 of the GALNT12 protein (p.Pro195Ser). The proline residue is moderately conserved and there is a moderate physicochemical difference between proline and serine.

NM_024642.5(GALNT12):c.583C>T (p.Pro195Ser)

Gene: GALNT12 (polypeptide N-acetylgalactosaminyltransferase 12; plus strand). Cytogenetic location: 9q22.33.
Variant type: single nucleotide variant.
Coding change: c.583C>T on transcript NM_024642.5 (MANE Select); coding-DNA position 583, C replaced by T.
Protein change: p.Pro195Ser; replaces proline 195 with serine.
Molecular consequence: missense variant.
Genome position (GRCh38, 1-based): chr9:98,826,793, C>T. VCF-style: chr9-98826793-C-T. GRCh37 (hg19) VCF-style: chr9-101589075-C-T.
Other names: c.583C>T (NM_024642.4); short protein forms P195S.
Identifiers: ClinVar variation 1369912 (VCV001369912.8), dbSNP rs2118376466, ClinGen allele CA374217386.